The following is an entry in ClinVar:

NM_006766.5(KAT6A):c.5036C>T (p.Pro1679Leu)

Gene: KAT6A (lysine acetyltransferase 6A; minus strand). Cytogenetic location: 8p11.21.
Variant type: single nucleotide variant.
Coding change: c.5036C>T on transcript NM_006766.5 (MANE Select); coding-DNA position 5036, C replaced by T.
Protein change: p.Pro1679Leu; replaces proline 1679 with leucine.
Molecular consequence: missense variant.
Genome position (GRCh38, 1-based): chr8:41,933,184, G>A on the plus strand (C>T on the coding strand, the complement: KAT6A is on the minus strand). VCF-style: chr8-41933184-G-A. GRCh37 (hg19) VCF-style: chr8-41790702-G-A.
Other names: c.5036C>T (NM_006766.4); short protein forms P1679L.
Identifiers: ClinVar variation 1248835 (VCV001248835.10), dbSNP rs552834605, ClinGen allele CA4729374.

ClinVar aggregate classification (germline): Benign. Review status: criteria provided, multiple submitters, no conflicts (2 of 4 stars). 4 submissions from 4 submitters: Benign (3). 1 of the submissions does not count toward it. Last evaluated 2026-01-26.

Conditions:
KAT6A-related disorder. Also called: KAT6A-related condition.

Allele frequency attached by ClinVar (database versions not stated): gnomAD exomes 0.00007 and 0.00036; 1000 Genomes Project 0.00020; gnomAD 0.00024 and 0.00026; TOPMed 0.00024; ExAC 0.00052.

Submissions (4):

Labcorp Genetics (formerly Invitae), Labcorp
Classification: Benign. Last evaluated: 2026-01-26. Review status: criteria provided, single submitter. Criteria: Invitae Variant Classification Sherloc (09022015). Collection method: clinical testing. Allele origin: germline.

GeneDx
Classification: Benign. Last evaluated: 2020-02-06. Review status: criteria provided, single submitter. Criteria: GeneDx Variant Classification Process June 2021. Collection method: clinical testing. Allele origin: germline. Affected: yes.

Breakthrough Genomics
Classification: Benign. Review status: criteria provided, single submitter. Criteria: ACMG Guidelines, 2015. Collection method: not provided. Allele origin: germline. Inheritance: Autosomal dominant inheritance. Affected: yes.

PreventionGenetics, part of Exact Sciences
Classification: Likely benign for KAT6A-related condition. Last evaluated: 2019-07-30. Review status: no assertion criteria provided. Collection method: clinical testing. Allele origin: germline. Not counted in ClinVar's aggregate classification.
Comment: This variant is classified as likely benign based on ACMG/AMP sequence variant interpretation guidelines (Richards et al. 2015 PMID: 25741868, with internal and published modifications).